The following is an entry in ClinVar:

ClinVar aggregate classification (germline): Uncertain significance. Review status: criteria provided, multiple submitters, no conflicts (2 of 4 stars). 2 submissions from 2 submitters: Uncertain significance (2). Last evaluated 2025-08-27.

Conditions:
Charcot-Marie-Tooth disease axonal type 2Z. Also called: CHARCOT-MARIE-TOOTH DISEASE, AXONAL, AUTOSOMAL DOMINANT, TYPE 2Z; CHARCOT-MARIE-TOOTH NEUROPATHY, TYPE 2Z. Identifiers: Orphanet 466768, MedGen C5569025, MONDO:0014736, OMIM 616688.

Submissions (2):

GeneDx
Classification: Uncertain significance. Last evaluated: 2025-08-27. Review status: criteria provided, single submitter. Criteria: GeneDx Variant Classification Process June 2021. Collection method: clinical testing. Allele origin: germline. Affected: yes.
Comment: Not observed at significant frequency in large population cohorts (gnomAD); Has not been previously published as pathogenic or benign to our knowledge; Canonical splice site variant in a gene for which loss-of-function is not a known mechanism of disease

Labcorp Genetics (formerly Invitae), Labcorp
Classification: Uncertain significance for Charcot-Marie-Tooth disease axonal type 2Z. Last evaluated: 2024-04-09. Review status: criteria provided, single submitter. Criteria: Invitae Variant Classification Sherloc (09022015). Collection method: clinical testing. Allele origin: germline.
Comment: This sequence change affects a donor splice site in intron 24 of the MORC2 gene. It is expected to disrupt RNA splicing. Variants that disrupt the donor or acceptor splice site typically lead to a loss of protein function (PMID: 16199547), however the current clinical and genetic evidence is not sufficient to establish whether loss-of-function variants in MORC2 cause disease. This variant is not present in population databases (gnomAD no frequency). This variant has not been reported in the literature in individuals affected with MORC2-related conditions. Algorithms developed to predict the effect of sequence changes on RNA splicing suggest that this variant may disrupt the consensus splice site. In summary, the available evidence is currently insufficient to determine the role of this variant in disease. Therefore, it has been classified as a Variant of Uncertain Significance.

Literature cited by the submitters: PubMed 16199547 (cited by Labcorp Genetics (formerly Invitae), Labcorp).

NM_001303256.3(MORC2):c.2841+1G>A

Gene: MORC2 (MORC family CW-type zinc finger 2; minus strand). Cytogenetic location: 22q12.2.
Variant type: single nucleotide variant.
Coding change: c.2841+1G>A on transcript NM_001303256.3 (MANE Select); the canonical splice donor site of the intron after coding-DNA position 2841, G replaced by A.
Molecular consequence: splice donor variant.
Genome position (GRCh38, 1-based): chr22:30,932,358, C>T on the plus strand (G>A on the coding strand, the complement: MORC2 is on the minus strand). VCF-style: chr22-30932358-C-T. GRCh37 (hg19) VCF-style: chr22-31328345-C-T.
Other names: c.2841+1G>A (NM_001303257.2); c.2655+1G>A (NM_014941.3).
Identifiers: ClinVar variation 3624904 (VCV003624904.3).